The following is an entry in ClinVar:

NM_174916.3(UBR1):c.4213G>A (p.Val1405Ile)

Gene: UBR1 (ubiquitin protein ligase E3 component n-recognin 1; minus strand). Cytogenetic location: 15q15.2.
Variant type: single nucleotide variant.
Coding change: c.4213G>A on transcript NM_174916.3 (MANE Select); coding-DNA position 4213, G replaced by A.
Protein change: p.Val1405Ile; replaces valine 1405 with isoleucine.
Molecular consequence: missense variant.
Genome position (GRCh38, 1-based): chr15:42,977,885, C>T on the plus strand (G>A on the coding strand, the complement: UBR1 is on the minus strand). VCF-style: chr15-42977885-C-T. GRCh37 (hg19) VCF-style: chr15-43270083-C-T.
Other names: short protein forms V1405I.
Identifiers: ClinVar variation 2120219 (VCV002120219.4), dbSNP rs2542915451, ClinGen allele CA392047120.

ClinVar aggregate classification (germline): Uncertain significance (1 of 4 stars; one submission).

Submission:

Labcorp Genetics (formerly Invitae), Labcorp
Classification: Uncertain significance. Last evaluated: 2022-04-01. Review status: criteria provided, single submitter. Criteria: Invitae Variant Classification Sherloc (09022015). Collection method: clinical testing. Allele origin: germline.
Comment: This sequence change replaces valine, which is neutral and non-polar, with isoleucine, which is neutral and non-polar, at codon 1405 of the UBR1 protein (p.Val1405Ile). This variant is not present in population databases (gnomAD no frequency). This variant has not been reported in the literature in individuals affected with UBR1-related conditions. Algorithms developed to predict the effect of missense changes on protein structure and function (SIFT, PolyPhen-2, Align-GVGD) all suggest that this variant is likely to be tolerated. In summary, the available evidence is currently insufficient to determine the role of this variant in disease. Therefore, it has been classified as a Variant of Uncertain Significance.